The following is an entry in ClinVar:

NM_001330078.2(NRXN1):c.1975A>C (p.Met659Leu)

Gene: NRXN1 (neurexin 1; minus strand). Cytogenetic location: 2p16.3.
Variant type: single nucleotide variant.
Coding change: c.1975A>C on transcript NM_001330078.2 (MANE Select); coding-DNA position 1975, A replaced by C.
Protein change: p.Met659Leu; replaces methionine 659 with leucine.
Molecular consequence: missense variant.
Genome position (GRCh38, 1-based): chr2:50,538,421, T>G on the plus strand (A>C on the coding strand, the complement: NRXN1 is on the minus strand). VCF-style: chr2-50538421-T-G. GRCh37 (hg19) VCF-style: chr2-50765559-T-G.
Other names: c.2095A>C, p.Met699Leu (NM_001135659.3); c.1951A>C, p.Met651Leu (NM_001330077.2, NM_001330082.2, NM_001330095.2); c.1936A>C, p.Met646Leu (NM_001330083.2, NM_001330084.2); c.1975A>C, p.Met659Leu (NM_001330085.2, NM_001330086.2, NM_004801.6); c.1891A>C, p.Met631Leu (NM_001330087.2, NM_001330096.2); c.1921A>C, p.Met641Leu (NM_001330088.2); c.1972A>C, p.Met658Leu (NM_001330093.2); c.1963A>C, p.Met655Leu (NM_001330094.2); short protein forms M631L, M641L, M646L, M651L, M655L, M658L, M659L, M699L.
Identifiers: ClinVar variation 2444644 (VCV002444644.1), dbSNP rs2465666526, ClinGen allele CA346770746.
Genomic context (GRCh38, chr2:50,538,421, plus strand): 5'-GTTTTGCTGTTTCCTTTGAGCAGGAAGGCTTCACTCCAGCAGTACTTTGAACTTCAGCCA[T>G]TTGCCGGATATCTTTGCTTTGGCCATCGATGAACAAATCCCTGATGCAGCCCACGTAGCC-3'
Protein context (NP_001317007.1, residues 649-669): IDGQSKDIRQ[Met659Leu]AEVQSTAGVK

ClinVar aggregate classification (germline): Uncertain significance (1 of 4 stars; one submission).

Submission:

GeneDx
Classification: Uncertain significance. Last evaluated: 2022-09-20. Review status: criteria provided, single submitter. Criteria: GeneDx Variant Classification Process June 2021. Collection method: clinical testing. Allele origin: germline. Affected: yes.
Comment: Not observed at significant frequency in large population cohorts (gnomAD); In silico analysis supports that this missense variant does not alter protein structure/function; Has not been previously published as pathogenic or benign to our knowledge